The following is an entry in ClinVar:

NM_004385.5(VCAN):c.9566C>G (p.Thr3189Arg)

Genes: VCAN (versican; plus strand), VCAN-AS1 (VCAN antisense RNA 1; minus strand). Cytogenetic location: 5q14.3.
Variant type: single nucleotide variant.
Coding change: c.9566C>G on transcript NM_004385.5 (MANE Select); coding-DNA position 9566, C replaced by G.
Protein change: p.Thr3189Arg; replaces threonine 3189 with arginine.
Molecular consequence: missense variant.
Genome position (GRCh38, 1-based): chr5:83,553,436, C>G. VCF-style: chr5-83553436-C-G. GRCh37 (hg19) VCF-style: chr5-82849255-C-G.
Other names: c.1343C>G, p.Thr448Arg (NM_001126336.3); c.6605C>G, p.Thr2202Arg (NM_001164097.2); c.4304C>G, p.Thr1435Arg (NM_001164098.2); short protein forms T1435R, T2202R, T3189R, T448R.
Identifiers: ClinVar variation 4721334 (VCV004721334.1).

ClinVar aggregate classification (germline): Uncertain significance (1 of 4 stars; one submission).

Submission:

Labcorp Genetics (formerly Invitae), Labcorp
Classification: Uncertain significance. Last evaluated: 2025-06-12. Review status: criteria provided, single submitter. Criteria: Invitae Variant Classification Sherloc (09022015). Collection method: clinical testing. Allele origin: germline.
Comment: This sequence change replaces threonine, which is neutral and polar, with arginine, which is basic and polar, at codon 3189 of the VCAN protein (p.Thr3189Arg). This variant is not present in population databases (gnomAD no frequency). This variant has not been reported in the literature in individuals affected with VCAN-related conditions. An algorithm developed to predict the effect of missense changes on protein structure and function (PolyPhen-2) suggests that this variant is likely to be disruptive. In summary, the available evidence is currently insufficient to determine the role of this variant in disease. Therefore, it has been classified as a Variant of Uncertain Significance.